The following is an entry in ClinVar:

NM_003742.4(ABCB11):c.1763C>T (p.Ala588Val)

Gene: ABCB11 (ATP binding cassette subfamily B member 11; minus strand). Cytogenetic location: 2q31.1.
Variant type: single nucleotide variant.
Coding change: c.1763C>T on transcript NM_003742.4 (MANE Select); coding-DNA position 1763, C replaced by T.
Protein change: p.Ala588Val; replaces alanine 588 with valine.
Molecular consequence: missense variant.
Genome position (GRCh38, 1-based): chr2:168,970,091, G>A on the plus strand (C>T on the coding strand, the complement: ABCB11 is on the minus strand). VCF-style: chr2-168970091-G-A. GRCh37 (hg19) VCF-style: chr2-169826601-G-A.
Other names: c.1763C>T, p.Ala588Val (LRG_1199t1); short protein forms A588V.
Identifiers: ClinVar variation 594531 (VCV000594531.21), dbSNP rs917981474, ClinGen allele CA59880134.

ClinVar aggregate classification (germline): Pathogenic/Likely pathogenic. Review status: criteria provided, multiple submitters, no conflicts (2 of 4 stars). 9 submissions from 9 submitters: Pathogenic (6); Likely pathogenic (2). 1 of the submissions does not count toward it. Last evaluated 2026-04-14.

Conditions:
Familial intrahepatic cholestasis. Identifiers: Orphanet 284385, MedGen CN296401, MONDO:0017290.
Benign recurrent intrahepatic cholestasis type 2 (BRIC2). Also called: Recurrent familial intrahepatic cholestasis 2. Identifiers: Orphanet 65682, Orphanet 99961, MedGen C2608083, MONDO:0011559, OMIM 605479.
Progressive familial intrahepatic cholestasis type 2. Identifiers: Orphanet 79304, MedGen C3489789, MONDO:0011156, OMIM 601847.
ABCB11-related disorder. Also called: ABCB11-related condition.
Progressive familial intrahepatic cholestasis (PFIC). Also called: Progressive intrahepatic cholestasis; Progressive family intrahepatic cholestasis. Identifiers: Orphanet 172, MedGen C0268312, MONDO:0015762.

Allele frequency attached by ClinVar (database versions not stated): gnomAD 0.00001; TOPMed 0.00002.
gnomAD v4.1: 20 of 1,612,804 alleles (0.0012%); highest among the groups gnomAD compares: Non-Finnish European, 0.0017%; no homozygotes.

Submissions (9):

Genomenon, Inc
Classification: Likely pathogenic for Familial intrahepatic cholestasis. Last evaluated: 2026-04-14. Review status: criteria provided, single submitter. Criteria: Genomenon Sequence Variant Interpretation Standards - Updated. Collection method: curation. Allele origin: germline. Affected: yes.
Comment: ABCB11 p.Ala588Val (c.1763C>T) is a missense variant that changes the amino acid at residue 588 from Alanine to Valine. This variant has been observed in at least one proband with an ABCB11-related disorder (PMID:39960943;34016879;33215027;32808743;16641580;18395098). Functional studies have been reported (PMID:19101985). It is absent or not present at a significant frequency in gnomAD. In silico models predict that this variant is possibly or probably damaging. In conclusion, we classify ABCB11 p.Ala588Val (c.1763C>T) as a likely pathogenic variant.

Natera, Inc.
Classification: Pathogenic for Progressive familial intrahepatic cholestasis type 2. Last evaluated: 2026-01-12. Review status: criteria provided, single submitter. Criteria: Natera Variant Classification Schema (03/2026). Collection method: clinical testing. Allele origin: germline.
Comment: The c.1763C>T variant in ABCB11 is a missense variant predicted to cause substitution of alanine to valine at amino acid 588. This variant is rare in the general population with a frequency below the threshold expected for the associated phenotype(s). This variant has been observed in one or more individuals affected with the associated recessive disease, as either homozygous or compound heterozygous with a second variant (PMID: 18395098). Given the available evidence, this variant is classified as Pathogenic.

Labcorp Genetics (formerly Invitae), Labcorp
Classification: Pathogenic. Last evaluated: 2024-06-25. Review status: criteria provided, single submitter. Criteria: Invitae Variant Classification Sherloc (09022015). Collection method: clinical testing. Allele origin: germline.
Comment: This sequence change replaces alanine, which is neutral and non-polar, with valine, which is neutral and non-polar, at codon 588 of the ABCB11 protein (p.Ala588Val). This variant is present in population databases (no rsID available, gnomAD 0.002%). This missense change has been observed in individuals with ABCB11-related conditions (PMID: 18395098, 34016879). This variant is also known as p.Ala558Val. ClinVar contains an entry for this variant (Variation ID: 594531). Advanced modeling of protein sequence and biophysical properties (such as structural, functional, and spatial information, amino acid conservation, physicochemical variation, residue mobility, and thermodynamic stability) performed at Invitae indicates that this missense variant is expected to disrupt ABCB11 protein function with a positive predictive value of 95%. Experimental studies have shown that this missense change affects ABCB11 function (PMID: 19101985). For these reasons, this variant has been classified as Pathogenic.

Fulgent Genetics
Classification: Pathogenic for Progressive familial intrahepatic cholestasis type 2; Benign recurrent intrahepatic cholestasis type 2. Last evaluated: 2024-05-16. Review status: criteria provided, single submitter. Criteria: ACMG Guidelines, 2015. Collection method: clinical testing. Allele origin: germline.

Baylor Genetics
Classification: Pathogenic for Benign recurrent intrahepatic cholestasis type 2. Last evaluated: 2024-03-30. Review status: criteria provided, single submitter. Criteria: ACMG Guidelines, 2015. Collection method: clinical testing. Allele origin: unknown.

Women's Health and Genetics/Laboratory Corporation of America, LabCorp
Classification: Pathogenic for Progressive familial intrahepatic cholestasis. Last evaluated: 2021-12-02. Review status: criteria provided, single submitter. Criteria: LabCorp Variant Classification Summary - May 2015. Collection method: clinical testing. Allele origin: germline.
Comment: Variant summary: ABCB11 c.1763C>T (p.Ala588Val) results in a non-conservative amino acid change located in the ATP-binding domain (IPR003439) of the encoded protein sequence. Five of five in-silico tools predict a damaging effect of the variant on protein function. The variant allele was found at a frequency of 8e-06 in 248624 control chromosomes (gomAD). c.1763C>T has been reported in the literature in homozygous and compound heterozygous state in multiple individuals affected with Familial Intrahepatic Cholestasis (Walkowiak_2006, Strautnieks_2008, Zhang_2020, Hertel_2021). These data indicate that the variant is likely to be associated with disease. At least one publication reports experimental evidence evaluating an impact on protein function, and demonstrated that although the variant didn't cause aberrant splicing in a minigene assay, however it resulted in the absence of protein product, indicating that the variant protein was rapidly degraded (Byrne_2009). One clinical diagnostic laboratory has submitted clinical-significance assessments for this variant to ClinVar after 2014 without evidence for independent evaluation, and classified the variant as pathogenic. Based on the evidence outlined above, the variant was classified as pathogenic.

Blueprint Genetics
Classification: Likely pathogenic for ABCB11-related disorders. Last evaluated: 2020-08-12. Review status: criteria provided, single submitter. Criteria: ACMG Guidelines, 2015. Collection method: clinical testing. Allele origin: germline. Affected: yes. Observed: 1 variant allele.

Eurofins Ntd Llc (ga)
Classification: Pathogenic. Last evaluated: 2018-07-31. Review status: criteria provided, single submitter. Criteria: EGL ClinVar v180209 classification definitions. Collection method: clinical testing. Allele origin: germline. Observed: 3 variant alleles, 3 heterozygotes.

PreventionGenetics, part of Exact Sciences
Classification: Pathogenic for ABCB11-related condition. Last evaluated: 2024-05-31. Review status: no assertion criteria provided. Collection method: clinical testing. Allele origin: germline. Not counted in ClinVar's aggregate classification.
Comment: The ABCB11 c.1763C>T variant is predicted to result in the amino acid substitution p.Ala588Val. This variant has been reported in the homozygous state or heterozygous state with a second causative ABCB11 variant in patients with progressive familial intrahepatic cholestasis (Strautnieks et al. 2008. PubMed ID: 18395098; Zhang et al. 2020. PubMed ID: 33215027; Li. 2020. PubMed ID: 32808743; Hertel et al. 2021. PubMed ID: 34016879, Supplemental Table 3). In a protein expression study, the p.Ala588Val substitution resulted in complete absence of ABCB11 protein, which the authors suggested was due to decreased protein stability and subsequent rapid degradation (Byrne et al. 2009. PubMed ID: 19101985). This variant is reported in 0.0018% of alleles in individuals of European (Non-Finnish) descent in gnomAD. Taken together, this variant is interpreted as pathogenic.

Literature cited by the submitters: PubMed 39960943 (cited by Genomenon, Inc); PubMed 34016879 (cited by 3 submitters); PubMed 33215027 (cited by Genomenon, Inc and Women's Health and Genetics/Laboratory Corporation of America, LabCorp); PubMed 32808743 (cited by Genomenon, Inc); PubMed 16641580 (cited by 3 submitters); PubMed 18395098 (cited by 4 submitters); PubMed 19101985 (cited by 4 submitters).